The following is an entry in ClinVar:

NM_012123.4(MTO1):c.1692del (p.Val565fs)

Gene: MTO1 (mitochondrial tRNA translation optimization 1; plus strand). Cytogenetic location: 6q13.
Variant type: Deletion.
Coding change: c.1692del on transcript NM_012123.4 (MANE Select); coding-DNA position 1692, one base deleted (T; older notation c.1692delT).
Protein change: p.Val565fs; shifts the reading frame from valine 565.
Molecular consequence: frameshift variant.
Genome position (GRCh38, 1-based): chr6:73,492,288, T deleted. VCF-style (leftmost placement, unchanged base first): chr6-73492287-CT-C. GRCh37 (hg19) VCF-style: chr6-74202010-CT-C.
Other names: c.1812del, p.Val605fs (NM_001123226.2); c.1767del, p.Val590fs (NM_133645.3); short protein forms V565fs, V590fs, V605fs.
Identifiers: ClinVar variation 1069917 (VCV001069917.7), dbSNP rs2150042284, ClinGen allele CA2499218522.

ClinVar aggregate classification (germline): Pathogenic (1 of 4 stars; one submission).

Conditions:
Mitochondrial hypertrophic cardiomyopathy with lactic acidosis due to MTO1 deficiency. Also called: Combined oxidative phosphorylation deficiency 10; CARDIOMYOPATHY, INFANTILE HYPERTROPHIC MITOCHONDRIAL, AND LACTIC ACIDOSIS. Identifiers: Orphanet 314637, MedGen C4749921, MONDO:0013865, OMIM 614702.

Submission:

Labcorp Genetics (formerly Invitae), Labcorp
Classification: Pathogenic for Mitochondrial hypertrophic cardiomyopathy with lactic acidosis due to MTO1 deficiency. Last evaluated: 2020-02-21. Review status: criteria provided, single submitter. Criteria: Invitae Variant Classification Sherloc (09022015). Collection method: clinical testing. Allele origin: germline.
Comment: For these reasons, this variant has been classified as Pathogenic. Loss-of-function variants in MTO1 are known to be pathogenic (PMID: 22608499, 25058219). This variant has not been reported in the literature in individuals with MTO1-related conditions. This variant is not present in population databases (ExAC no frequency). This sequence change creates a premature translational stop signal (p.Val565Phefs*5) in the MTO1 gene. It is expected to result in an absent or disrupted protein product.

Literature cited by the submitters: PubMed 22608499; PubMed 25058219.